The following is an entry in ClinVar:

NM_002860.4(ALDH18A1):c.1549C>T (p.His517Tyr)

Gene: ALDH18A1 (aldehyde dehydrogenase 18 family member A1; minus strand). Cytogenetic location: 10q24.1.
Variant type: single nucleotide variant.
Coding change: c.1549C>T on transcript NM_002860.4 (MANE Select); coding-DNA position 1549, C replaced by T.
Protein change: p.His517Tyr; replaces histidine 517 with tyrosine.
Molecular consequence: missense variant.
Genome position (GRCh38, 1-based): chr10:95,616,533, G>A on the plus strand (C>T on the coding strand, the complement: ALDH18A1 is on the minus strand). VCF-style: chr10-95616533-G-A. GRCh37 (hg19) VCF-style: chr10-97376290-G-A.
Other names: c.1543C>T, p.His515Tyr (NM_001017423.2, NM_001323415.2); c.1216C>T, p.His406Tyr (NM_001323412.2, NM_001323416.2); c.1549C>T, p.His517Tyr (NM_001323413.2, NM_001323414.2); c.1444C>T, p.His482Tyr (NM_001323417.2); c.1210C>T, p.His404Tyr (NM_001323418.2); c.913C>T, p.His305Tyr (NM_001323419.2); short protein forms H305Y, H517Y, H406Y, H404Y, H515Y, H482Y.
Identifiers: ClinVar variation 2922800 (VCV002922800.3), dbSNP rs376006295, ClinGen allele CA211789721.

ClinVar aggregate classification (germline): Uncertain significance (1 of 4 stars; one submission).

Conditions:
Cutis laxa, autosomal dominant 3 (ADCL3). Identifiers: Orphanet 90348, MedGen C4225268, MONDO:0014706, OMIM 616603.
Autosomal dominant spastic paraplegia type 9. Identifiers: MedGen C1832669, MONDO:0015091.
de Barsy syndrome. Also called: Cutis laxa-corneal clouding-oligophrenia syndrome. Identifiers: Orphanet 2962, MedGen C0268354, MONDO:0017569.

Allele frequency attached by ClinVar (database versions not stated): TOPMed below 0.00001; gnomAD 0.00001; ESP Exome Variant Server 0.00008.

Submission:

Labcorp Genetics (formerly Invitae), Labcorp
Classification: Uncertain significance for Autosomal dominant spastic paraplegia type 9; de Barsy syndrome; Cutis laxa, autosomal dominant 3. Last evaluated: 2023-10-18. Review status: criteria provided, single submitter. Criteria: Invitae Variant Classification Sherloc (09022015). Collection method: clinical testing. Allele origin: germline.
Comment: This sequence change replaces histidine, which is basic and polar, with tyrosine, which is neutral and polar, at codon 517 of the ALDH18A1 protein (p.His517Tyr). This variant is not present in population databases (gnomAD no frequency). This variant has not been reported in the literature in individuals affected with ALDH18A1-related conditions. Advanced modeling of protein sequence and biophysical properties (such as structural, functional, and spatial information, amino acid conservation, physicochemical variation, residue mobility, and thermodynamic stability) has been performed at Invitae for this missense variant, however the output from this modeling did not meet the statistical confidence thresholds required to predict the impact of this variant on ALDH18A1 protein function. In summary, the available evidence is currently insufficient to determine the role of this variant in disease. Therefore, it has been classified as a Variant of Uncertain Significance.